The following is an entry in ClinVar:

NM_000466.3(PEX1):c.899C>T (p.Ala300Val)

Gene: PEX1 (peroxisomal biogenesis factor 1; minus strand). Cytogenetic location: 7q21.2.
Variant type: single nucleotide variant.
Coding change: c.899C>T on transcript NM_000466.3 (MANE Select); coding-DNA position 899, C replaced by T.
Protein change: p.Ala300Val; replaces alanine 300 with valine.
Molecular consequence: missense variant.
Genome position (GRCh38, 1-based): chr7:92,517,616, G>A on the plus strand (C>T on the coding strand, the complement: PEX1 is on the minus strand). VCF-style: chr7-92517616-G-A. GRCh37 (hg19) VCF-style: chr7-92146930-G-A.
Other names: c.899C>T, p.Ala300Val (NM_001282677.2); c.275C>T, p.Ala92Val (NM_001282678.2); short protein forms A92V, A300V.
Identifiers: ClinVar variation 3666959 (VCV003666959.1).

ClinVar aggregate classification (germline): Uncertain significance (1 of 4 stars; one submission).

Conditions:
Zellweger spectrum disorders (ZS). Also called: Zellweger Spectrum Disorder (ZSD); Zellweger Spectrum Disorder; Zellweger Spectrum; Zellweger syndrome. Identifiers: Orphanet 912, MedGen C0043459, MONDO:0019609.

gnomAD v4.1: 34 of 1,613,814 alleles (0.0021%); highest among the groups gnomAD compares: African/African-American, 0.004%; no homozygotes.

Submission:

Labcorp Genetics (formerly Invitae), Labcorp
Classification: Uncertain significance for Zellweger spectrum disorders. Last evaluated: 2024-12-12. Review status: criteria provided, single submitter. Criteria: Invitae Variant Classification Sherloc (09022015). Collection method: clinical testing. Allele origin: germline.
Comment: This sequence change replaces alanine, which is neutral and non-polar, with valine, which is neutral and non-polar, at codon 300 of the PEX1 protein (p.Ala300Val). This variant is present in population databases (rs769114978, gnomAD 0.01%). This variant has not been reported in the literature in individuals affected with PEX1-related conditions. Invitae Evidence Modeling of protein sequence and biophysical properties (such as structural, functional, and spatial information, amino acid conservation, physicochemical variation, residue mobility, and thermodynamic stability) indicates that this missense variant is not expected to disrupt PEX1 protein function with a negative predictive value of 95%. In summary, the available evidence is currently insufficient to determine the role of this variant in disease. Therefore, it has been classified as a Variant of Uncertain Significance.